The following is an entry in ClinVar:

NM_000222.3(KIT):c.2337C>T (p.Gly779=)

Gene: KIT (KIT proto-oncogene, receptor tyrosine kinase; plus strand). Cytogenetic location: 4q12.
Variant type: single nucleotide variant.
Coding change: c.2337C>T on transcript NM_000222.3 (MANE Select); coding-DNA position 2337, C replaced by T.
Protein change: p.Gly779=; no amino-acid change (glycine 779 retained).
Molecular consequence: synonymous variant.
Genome position (GRCh38, 1-based): chr4:54,731,974, C>T. VCF-style: chr4-54731974-C-T. GRCh37 (hg19) VCF-style: chr4-55598140-C-T.
Other names: c.2325C>T, p.Gly775= (NM_001093772.2, NM_001385292.1); c.2340C>T, p.Gly780= (NM_001385284.1); c.2334C>T, p.Gly778= (NM_001385285.1); c.2322C>T, p.Gly774= (NM_001385286.1); c.2328C>T, p.Gly776= (NM_001385288.1); c.2337C>T, p.Gly779= (NM_001385290.1).
Identifiers: ClinVar variation 237259 (VCV000237259.10), dbSNP rs878853764, ClinGen allele CA10582264.
Genomic context (GRCh38, chr4:54,731,974, plus strand): 5'-TGACGAGTTGGCCCTAGACTTAGAAGACTTGCTGAGCTTTTCTTACCAGGTGGCAAAGGG[C>T]ATGGCTTTCCTCGCCTCCAAGAATGTAAGTGGGAGTGATTCTCTAAAGAGTTTTGTGTTT-3'
Protein context (NP_000213.1, residues 769-789): LLSFSYQVAK[Gly779=]MAFLASKNCI

ClinVar aggregate classification (germline): Uncertain significance. Review status: criteria provided, multiple submitters, no conflicts (2 of 4 stars). 2 submissions from 2 submitters: Uncertain significance (2). Last evaluated 2025-08-04.

Conditions:
Hereditary cancer-predisposing syndrome. Also called: Neoplastic Syndromes, Hereditary; Hereditary neoplastic syndrome; Hereditary Cancer Syndrome; Tumor predisposition. Identifiers: Orphanet 140162, MedGen C0027672, MeSH D009386, MONDO:0015356.
Gastrointestinal stromal tumor. Also called: Gastrointestinal stromal tumor, somatic; Gastrointestinal stroma tumor. Identifiers: Orphanet 44890, MedGen C0238198, MeSH D046152, MONDO:0011719, OMIM 606764, HP:0100723.

Allele frequency attached by ClinVar (database versions not stated): gnomAD exomes below 0.00001.
gnomAD v4.1: 5 of 1,612,890 alleles (0.00031%); highest among the groups gnomAD compares: Middle Eastern, 0.033%; no homozygotes.

Submissions (2):

Ambry Genetics
Classification: Uncertain significance for Hereditary cancer-predisposing syndrome. Last evaluated: 2025-08-04. Review status: criteria provided, single submitter. Criteria: Ambry Variant Classification Scheme 2023. Collection method: clinical testing. Allele origin: germline.
Comment: The c.2337C>T variant (also known as p.G779G), located in coding exon 16 of the KIT gene, results from a C to T substitution at nucleotide position 2337. This nucleotide substitution does not change the glycine at codon 779. This nucleotide position is not well conserved in available vertebrate species. In silico splice site analysis predicts that this alteration will result in the creation or strengthening of a novel splice donor site. Based on the available evidence, the clinical significance of this variant remains unclear.

Labcorp Genetics (formerly Invitae), Labcorp
Classification: Uncertain significance for Gastrointestinal stromal tumor. Last evaluated: 2024-01-02. Review status: criteria provided, single submitter. Criteria: Invitae Variant Classification Sherloc (09022015). Collection method: clinical testing. Allele origin: germline.
Comment: This sequence change affects codon 779 of the KIT mRNA. It is a 'silent' change, meaning that it does not change the encoded amino acid sequence of the KIT protein. This variant is not present in population databases (gnomAD no frequency). This variant has not been reported in the literature in individuals affected with KIT-related conditions. ClinVar contains an entry for this variant (Variation ID: 237259). Algorithms developed to predict the effect of sequence changes on RNA splicing suggest that this variant may create or strengthen a splice site. In summary, the available evidence is currently insufficient to determine the role of this variant in disease. Therefore, it has been classified as a Variant of Uncertain Significance.